The following is an entry in ClinVar:

ClinVar aggregate classification (germline): Conflicting classifications of pathogenicity. Review status: criteria provided, conflicting classifications (1 of 4 stars). 3 submissions from 3 submitters: Uncertain significance (1); Likely benign (2). Last evaluated 2025-12-16.

Conditions:
Brugada syndrome. Also called: Sudden unexplained nocturnal death syndrome; Sudden Unexplained Death Syndrome; Sudden Unexplained Nocturnal Death Syndrome (SUNDS); Sudden unexpected nocturnal death syndrome. Identifiers: Orphanet 130, MedGen C1142166, MONDO:0015263.
Cardiovascular phenotype. Identifiers: MedGen CN230736.

Allele frequency attached by ClinVar (database versions not stated): gnomAD 0.00017 and 0.00018; ESP Exome Variant Server 0.00031; ExAC 0.00013; TOPMed 0.00014.
gnomAD v4.1: 321 of 1,612,256 alleles (0.02%); highest among the groups gnomAD compares: Non-Finnish European, 0.027%; 1 homozygote.

Submissions (3):

Labcorp Genetics (formerly Invitae), Labcorp
Classification: Uncertain significance for Brugada syndrome. Last evaluated: 2025-12-16. Review status: criteria provided, single submitter. Criteria: Invitae Variant Classification Sherloc (09022015). Collection method: clinical testing. Allele origin: germline.
Comment: This sequence change replaces glutamine, which is neutral and polar, with histidine, which is basic and polar, at codon 917 of the CACNA2D1 protein (p.Gln917His). This variant is present in population databases (rs145109446, gnomAD 0.02%). This missense change has been observed in individual(s) with Brugada syndrome (PMID: 20817017). ClinVar contains an entry for this variant (Variation ID: 580176). An algorithm developed to predict the effect of missense changes on protein structure and function outputs the following: PolyPhen-2: "Benign". The histidine amino acid residue is found in multiple mammalian species, which suggests that this missense change does not adversely affect protein function. In summary, the available evidence is currently insufficient to determine the role of this variant in disease. Therefore, it has been classified as a Variant of Uncertain Significance.

GeneDx
Classification: Likely benign. Last evaluated: 2020-06-23. Review status: criteria provided, single submitter. Criteria: GeneDx Variant Classification Process June 2021. Collection method: clinical testing. Allele origin: germline. Affected: yes.
Comment: This variant is associated with the following publications: (PMID: 27711072, 20817017, 23414114, 25527503, 30821013)

Ambry Genetics
Classification: Likely benign for Cardiovascular phenotype. Last evaluated: 2020-01-22. Review status: criteria provided, single submitter. Criteria: Ambry Variant Classification Scheme 2023. Collection method: clinical testing. Allele origin: germline.

Literature cited by the submitters: PubMed 20817017 (cited by Labcorp Genetics (formerly Invitae), Labcorp and Ambry Genetics); PubMed 23414114 (cited by Ambry Genetics); PubMed 25527503 (cited by Ambry Genetics); PubMed 27711072 (cited by Ambry Genetics); PubMed 30821013 (cited by Ambry Genetics).

NM_000722.4(CACNA2D1):c.2751A>T (p.Gln917His)

Gene: CACNA2D1 (calcium voltage-gated channel auxiliary subunit alpha2delta 1; minus strand). Cytogenetic location: 7q21.11.
Variant type: single nucleotide variant.
Coding change: c.2751A>T on transcript NM_000722.4 (MANE Select); coding-DNA position 2751, A replaced by T.
Protein change: p.Gln917His; replaces glutamine 917 with histidine.
Molecular consequence: missense variant.
Genome position (GRCh38, 1-based): chr7:81,964,085, T>A on the plus strand (A>T on the coding strand, the complement: CACNA2D1 is on the minus strand). VCF-style: chr7-81964085-T-A. GRCh37 (hg19) VCF-style: chr7-81593401-T-A.
Other names: c.2787A>T, p.Gln929His (NM_001366867.1); short protein forms Q917H, Q929H.
Identifiers: ClinVar variation 580176 (VCV000580176.13), dbSNP rs145109446, ClinGen allele CA4317515.
Genomic context (GRCh38, chr7:81,964,085, plus strand): 5'-CATTACCAATAAAACTAAAATTTTGACTTACCAGGCAGCAGCAGTGGCCCACCAGCCAAT[T>A]TGTAATATGTCTGCTACTGATGGCTATAAAATAAAATAATAAGGTCATTTCAGTAGTCTA-3'
Protein context (NP_000713.2, residues 907-927): AYVPSVADIL[Gln917His]IGWWATAAAW